The following is an entry in ClinVar:

ClinVar aggregate classification (germline): Uncertain significance (1 of 4 stars; one submission).

Submission:

Labcorp Genetics (formerly Invitae), Labcorp
Classification: Uncertain significance. Last evaluated: 2020-12-09. Review status: criteria provided, single submitter. Criteria: Invitae Variant Classification Sherloc (09022015). Collection method: clinical testing. Allele origin: germline.
Comment: In summary, the available evidence is currently insufficient to determine the role of this variant in disease. Therefore, it has been classified as a Variant of Uncertain Significance. Algorithms developed to predict the effect of missense changes on protein structure and function (SIFT, PolyPhen-2, Align-GVGD) all suggest that this variant is likely to be tolerated, but these predictions have not been confirmed by published functional studies and their clinical significance is uncertain. This variant has not been reported in the literature in individuals with CTNNA1-related conditions. This variant is not present in population databases (ExAC no frequency). This sequence change replaces alanine with serine at codon 355 of the CTNNA1 protein (p.Ala355Ser). The alanine residue is moderately conserved and there is a moderate physicochemical difference between alanine and serine.

NM_001903.5(CTNNA1):c.1063G>T (p.Ala355Ser)

Gene: CTNNA1 (catenin alpha 1; plus strand). Cytogenetic location: 5q31.2.
Variant type: single nucleotide variant.
Coding change: c.1063G>T on transcript NM_001903.5 (MANE Select); coding-DNA position 1063, G replaced by T.
Protein change: p.Ala355Ser; replaces alanine 355 with serine.
Molecular consequence: missense variant. On other transcripts: 5 prime UTR variant (26), intron variant (2).
Genome position (GRCh38, 1-based): chr5:138,886,212, G>T. VCF-style: chr5-138886212-G-T. GRCh37 (hg19) VCF-style: chr5-138221901-G-T.
Other names: c.1063G>T, p.Ala355Ser (NM_001290307.3, NM_001323982.2, NM_001323983.1 and 3 more transcripts); c.754G>T, p.Ala252Ser (NM_001290309.3); c.694G>T, p.Ala232Ser (NM_001290310.3); c.-48G>T (NM_001290312.1, NM_001323987.1, NM_001323988.1 and 18 more transcripts); c.-445G>T (NM_001324006.1, NM_001324007.1, NM_001324008.1 and 1 more transcripts); c.-320G>T (NM_001324013.1); c.-58+10615G>T (NM_001324012.1); c.-61+10615G>T (NM_001324010.1); short protein forms A232S, A252S, A355S.
Identifiers: ClinVar variation 1471984 (VCV001471984.8), dbSNP rs2150023912, ClinGen allele CA361132444.